The following is an entry in ClinVar:

NM_001199198.3(TBC1D23):c.424C>A (p.Arg142Ser)

Gene: TBC1D23 (TBC1 domain family member 23; plus strand). Cytogenetic location: 3q12.1.
Variant type: single nucleotide variant.
Coding change: c.424C>A on transcript NM_001199198.3 (MANE Select); coding-DNA position 424, C replaced by A.
Protein change: p.Arg142Ser; replaces arginine 142 with serine.
Molecular consequence: missense variant.
Genome position (GRCh38, 1-based): chr3:100,283,759, C>A. VCF-style: chr3-100283759-C-A. GRCh37 (hg19) VCF-style: chr3-100002603-C-A.
Other names: c.424C>A, p.Arg142Ser (NM_018309.5); short protein forms R142S.
Identifiers: ClinVar variation 1695576 (VCV001695576.3), dbSNP rs758687852, ClinGen allele CA2514416.
Genomic context (GRCh38, chr3:100,283,759, plus strand): 5'-TATAGCACATCCCTTAGCTGGATACATCTACTGAAACCATTGGTGCATCTTCAACTGCCA[C>A]GCAGCGATTTATACAACTGCTTTTATGCCATAATGAATAAGTACATTCCCAGGTAAAATA-3'
Protein context (NP_001186127.1, residues 132-152): LKPLVHLQLP[Arg142Ser]SDLYNCFYAI

ClinVar aggregate classification (germline): Uncertain significance (1 of 4 stars; one submission).

Allele frequency attached by ClinVar (database versions not stated): ExAC 0.00001.
gnomAD v4.1: 3 of 1,613,126 alleles (0.00019%); highest among the groups gnomAD compares: African/African-American, 0.0013%; no homozygotes.

Submission:

GeneDx
Classification: Uncertain significance. Last evaluated: 2025-11-06. Review status: criteria provided, single submitter. Criteria: GeneDx Variant Classification Process June 2021. Collection method: clinical testing. Allele origin: germline. Affected: yes.
Comment: Not observed at significant frequency in large population cohorts (gnomAD); In silico analysis supports that this missense variant has a deleterious effect on protein structure/function; Has not been previously published as pathogenic or benign to our knowledge